The following is an entry in ClinVar:

NM_000271.5(NPC1):c.416dup (p.Asn140fs)

Gene: NPC1 (NPC intracellular cholesterol transporter 1; minus strand). Cytogenetic location: 18q11.2.
Variant type: Duplication.
Coding change: c.416dup on transcript NM_000271.5 (MANE Select); coding-DNA position 416, one base duplicated (C; older notation c.416dupC).
Protein change: p.Asn140fs; shifts the reading frame from asparagine 140.
Molecular consequence: frameshift variant.
Genome position (GRCh38, 1-based): chr18:23,568,870, G duplicated on the plus strand (C on the coding strand, the reverse complement: NPC1 is on the minus strand). VCF-style (leftmost placement, unchanged base first): chr18-23568869-T-TG. GRCh37 (hg19) VCF-style: chr18-21148833-T-TG.
Other names: short protein forms N140fs.
Identifiers: ClinVar variation 132901 (VCV000132901.2), dbSNP rs483352880, ClinGen allele CA269835.

ClinVar aggregate classification (germline): Pathogenic (0 of 4 stars; one submission).

Conditions:
Niemann-Pick disease, type C1. Also called: NIEMANN-PICK DISEASE, VARIANT TYPE C1; NEUROVISCERAL STORAGE DISEASE WITH VERTICAL SUPRANUCLEAR OPHTHALMOPLEGIA; NIEMANN-PICK DISEASE WITH CHOLESTEROL ESTERIFICATION BLOCK; NIEMANN-PICK DISEASE WITHOUT SPHINGOMYELINASE DEFICIENCY; NIEMANN-PICK DISEASE, CHRONIC NEURONOPATHIC FORM. Identifiers: Orphanet 646, MedGen C3179455, MONDO:0009757, OMIM 257220.

Submission:

Shanghain Institute for Pediatric Research
Classification: Pathogenic for Niemann-Pick disease type C1. Review status: no assertion criteria provided. Collection method: not provided. Allele origin: germline.
ClinVar note: Converted during submission from pathogenic to Pathogenic.